The following is an entry in ClinVar:

NM_000448.3(RAG1):c.680A>T (p.Gln227Leu)

Gene: RAG1 (recombination activating 1; plus strand). Cytogenetic location: 11p12.
Variant type: single nucleotide variant.
Coding change: c.680A>T on transcript NM_000448.3 (MANE Select); coding-DNA position 680, A replaced by T.
Protein change: p.Gln227Leu; replaces glutamine 227 with leucine.
Molecular consequence: missense variant.
Genome position (GRCh38, 1-based): chr11:36,573,984, A>T. VCF-style: chr11-36573984-A-T. GRCh37 (hg19) VCF-style: chr11-36595534-A-T.
Other names: c.680A>T (NM_000448.2); c.680A>T, p.Gln227Leu (NM_001377277.1, NM_001377278.1, NM_001377279.1 and 1 more transcripts); short protein forms Q227L.
Identifiers: ClinVar variation 1018230 (VCV001018230.7), dbSNP rs757672759, ClinGen allele CA5950029.
Genomic context (GRCh38, chr11:36,573,984, plus strand): 5'-ACACACCATCCTGTGACATCTGCAACACTGCCCGTCGGGGACTCAAGAGGAAGAGTCTTC[A>T]GCCAAACTTGCAGCTCAGCAAAAAACTCAAAACTGTGCTTGACCAAGCAAGACAAGCCCG-3'
Protein context (NP_000439.2, residues 217-237): ARRGLKRKSL[Gln227Leu]PNLQLSKKLK

ClinVar aggregate classification (germline): Uncertain significance. Review status: criteria provided, multiple submitters, no conflicts (2 of 4 stars). 2 submissions from 2 submitters: Uncertain significance (2). Last evaluated 2025-07-12.

Conditions:
Inborn genetic diseases. Identifiers: MedGen C0950123, MeSH D030342.
Severe combined immunodeficiency, autosomal recessive, T cell-negative, B cell-negative, NK cell-positive. Also called: SCID, T CELL-NEGATIVE, B CELL-NEGATIVE, NK CELL-POSITIVE; SCID, AR, T-cell negative, B-cell negative, NK cell-positive; Severe combined immunodeficiency due to complete RAG1/2 deficiency. Identifiers: Orphanet 331206, MedGen C1832322, MONDO:0011086, OMIM 601457.
Combined immunodeficiency with skin granulomas. Identifiers: Orphanet 157949, MedGen C2673536, MONDO:0009306, OMIM 233650.

Allele frequency attached by ClinVar (database versions not stated): gnomAD exomes below 0.00001 and 0.00001; TOPMed below 0.00001; ExAC 0.00001; gnomAD 0.00001.
gnomAD v4.1: 8 of 1,614,060 alleles (0.0005%); highest among the groups gnomAD compares: South Asian, 0.0011%; no homozygotes.

Submissions (2):

Ambry Genetics
Classification: Uncertain significance for Inborn genetic diseases. Last evaluated: 2025-07-12. Review status: criteria provided, single submitter. Criteria: Ambry Variant Classification Scheme 2023. Collection method: clinical testing. Allele origin: germline.

Labcorp Genetics (formerly Invitae), Labcorp
Classification: Uncertain significance for Combined immunodeficiency with skin granulomas; Severe combined immunodeficiency, autosomal recessive, T cell-negative, B cell-negative, NK cell-positive. Last evaluated: 2021-08-28. Review status: criteria provided, single submitter. Criteria: Invitae Variant Classification Sherloc (09022015). Collection method: clinical testing. Allele origin: germline.
Comment: This sequence change replaces glutamine with leucine at codon 227 of the RAG1 protein (p.Gln227Leu). The glutamine residue is moderately conserved and there is a moderate physicochemical difference between glutamine and leucine. This variant is present in population databases (rs757672759, ExAC 0.001%). This variant has not been reported in the literature in individuals affected with RAG1-related conditions. Algorithms developed to predict the effect of missense changes on protein structure and function (SIFT, PolyPhen-2, Align-GVGD) all suggest that this variant is likely to be tolerated. In summary, the available evidence is currently insufficient to determine the role of this variant in disease. Therefore, it has been classified as a Variant of Uncertain Significance.